The following is an entry in ClinVar:

NM_000057.4(BLM):c.2657A>T (p.His886Leu)

Gene: BLM (BLM RecQ like helicase; plus strand). Cytogenetic location: 15q26.1.
Variant type: single nucleotide variant.
Coding change: c.2657A>T on transcript NM_000057.4 (MANE Select); coding-DNA position 2657, A replaced by T.
Protein change: p.His886Leu; replaces histidine 886 with leucine.
Molecular consequence: missense variant.
Genome position (GRCh38, 1-based): chr15:90,782,923, A>T. VCF-style: chr15-90782923-A-T. GRCh37 (hg19) VCF-style: chr15-91326153-A-T.
Other names: c.2657A>T, p.His886Leu (NM_001287246.2, NM_001287247.2); c.1532A>T, p.His511Leu (NM_001287248.2); short protein forms H511L, H886L.
Identifiers: ClinVar variation 1794395 (VCV001794395.2), dbSNP rs1420145471, ClinGen allele CA393845817.
Genomic context (GRCh38, chr15:90,782,923, plus strand): 5'-TATTACCGAAAAAGCCTAAAAAGGTGGCATTTGATTGCCTAGAATGGATCAGAAAGCACC[A>T]CCCATGTGAGTACAGCCATGTGATTAGCTGTCTAGAAGTAACAAATGTCTTTTTAGTACC-3'
Protein context (NP_000048.1, residues 876-896): FDCLEWIRKH[His886Leu]PYDSGIIYCL

ClinVar aggregate classification (germline): Uncertain significance (1 of 4 stars; one submission).

Conditions:
Hereditary cancer-predisposing syndrome. Also called: Tumor predisposition; Hereditary Cancer Syndrome; Neoplastic Syndromes, Hereditary; Hereditary neoplastic syndrome. Identifiers: Orphanet 140162, MedGen C0027672, MeSH D009386, MONDO:0015356.

Submission:

Ambry Genetics
Classification: Uncertain significance for Hereditary cancer-predisposing syndrome. Last evaluated: 2021-07-18. Review status: criteria provided, single submitter. Criteria: Ambry Variant Classification Scheme 2023. Collection method: clinical testing. Allele origin: germline.
Comment: The p.H886L variant (also known as c.2657A>T), located in coding exon 12 of the BLM gene, results from an A to T substitution at nucleotide position 2657. The histidine at codon 886 is replaced by leucine, an amino acid with similar properties. This amino acid position is conserved. In addition, the in silico prediction for this alteration is inconclusive. Since supporting evidence is limited at this time, the clinical significance of this alteration remains unclear.